The following is an entry in ClinVar:

NM_004204.5(PIGQ):c.*487C>A

Gene: PIGQ (phosphatidylinositol glycan anchor biosynthesis class Q; plus strand). Cytogenetic location: 16p13.3.
Variant type: single nucleotide variant.
Coding change: c.*487C>A on transcript NM_004204.5 (MANE Select); 487 bases downstream of the stop codon, C replaced by A.
Molecular consequence: 3 prime UTR variant. On other transcripts: missense variant (1).
Genome position (GRCh38, 1-based): chr16:583,522, C>A. VCF-style: chr16-583522-C-A. GRCh37 (hg19) VCF-style: chr16-633522-C-A.
Other names: c.2171C>A, p.Ala724Glu (NM_148920.4); short protein forms A724E.
Identifiers: ClinVar variation 2379695 (VCV002379695.27), dbSNP rs763048399, ClinGen allele CA394064007.

ClinVar aggregate classification (germline): Uncertain significance. Review status: criteria provided, multiple submitters, no conflicts (2 of 4 stars). 3 submissions from 3 submitters: Uncertain significance (3). Last evaluated 2024-10-04.

Conditions:
Inborn genetic diseases. Identifiers: MedGen C0950123, MeSH D030342.

Allele frequency attached by ClinVar (database versions not stated): TOPMed 0.00005.
gnomAD v4.1: 52 of 1,612,506 alleles (0.0032%); highest among the groups gnomAD compares: Middle Eastern, 0.049%; no homozygotes.

Submissions (3):

GeneDx
Classification: Uncertain significance. Last evaluated: 2024-10-04. Review status: criteria provided, single submitter. Criteria: GeneDx Variant Classification Process June 2021. Collection method: clinical testing. Allele origin: germline. Affected: yes.
Comment: In silico analysis indicates that this missense variant does not alter protein structure/function; Has not been previously published as pathogenic or benign to our knowledge; Reported using an alternate transcript of the gene

CeGaT Center for Human Genetics Tuebingen
Classification: Uncertain significance. Last evaluated: 2023-02-01. Review status: criteria provided, single submitter. Criteria: CeGaT Center For Human Genetics Tuebingen Variant Classification Criteria Version 2. Collection method: clinical testing. Allele origin: germline. Affected: yes. Observed: 1 variant allele.
Comment: PIGQ: PM2:Supporting, BP4

Ambry Genetics
Classification: Uncertain significance for Inborn genetic diseases. Last evaluated: 2021-03-07. Review status: criteria provided, single submitter. Criteria: Ambry Variant Classification Scheme 2023. Collection method: clinical testing. Allele origin: germline.